The following is an entry in ClinVar:

NM_015559.3(SETBP1):c.265C>T (p.Gln89Ter)

Gene: SETBP1 (SET binding protein 1; plus strand). Cytogenetic location: 18q12.3.
Variant type: single nucleotide variant.
Coding change: c.265C>T on transcript NM_015559.3 (MANE Select); coding-DNA position 265, C replaced by T.
Protein change: p.Gln89Ter; replaces glutamine 89 with a stop codon.
Molecular consequence: nonsense.
Genome position (GRCh38, 1-based): chr18:44,701,611, C>T. VCF-style: chr18-44701611-C-T. GRCh37 (hg19) VCF-style: chr18-42281576-C-T.
Other names: c.265C>T, p.Gln89Ter (NM_001130110.2, LRG_1150t1); short protein forms Q89*.
Identifiers: ClinVar variation 620362 (VCV000620362.3), dbSNP rs1568097623, ClinGen allele CA402481790.

ClinVar aggregate classification (germline): Pathogenic (1 of 4 stars; one submission).

Conditions:
Intellectual developmental disorder, autosomal dominant 29. Also called: SETBP1 Haploinsufficiency Disorder; Intellectual disability, autosomal dominant 29. Identifiers: Orphanet 436151, MedGen C4015141, MONDO:0014482, OMIM 616078.

Submission:

GeneDx
Classification: Pathogenic. Last evaluated: 2018-09-06. Review status: criteria provided, single submitter. Criteria: GeneDx Variant Classification (06012015). Collection method: clinical testing. Allele origin: germline. Affected: yes.
Comment: The Q89X nonsense variant in the SETBP1 gene is predicted to cause loss of normal protein function either through protein truncation or nonsense-mediated mRNA decay. The Q89X variant is not observed in large population cohorts (Lek et al., 2016).